The following is an entry in ClinVar:

NM_001330.5(CTF1):c.463_465dup (p.Pro155dup)

Genes: CTF1 (cardiotrophin 1; plus strand), LOC130058878 (ATAC-STARR-seq lymphoblastoid silent region 7400; plus strand). Cytogenetic location: 16p11.2.
Variant type: Duplication.
Coding change: c.463_465dup on transcript NM_001330.5 (MANE Select); coding-DNA positions 463 to 465, 3 bases duplicated (CCC; older notation c.463_465dupCCC).
Protein change: p.Pro155dup; duplicates proline 155.
Molecular consequence: inframe insertion. On other transcripts: non-coding transcript variant (1).
Genome position (GRCh38, 1-based): chr16:30,902,396-30,902,398, CCC duplicated; duplicating any 3 consecutive bases within chr16:30,902,393-30,902,398 gives the same sequence; the c. name uses the placement nearest the transcript's 3' end. VCF-style (leftmost placement, unchanged base first): chr16-30902392-G-GCCC. GRCh37 (hg19) VCF-style: chr16-30913713-G-GCCC.
Other names: c.460_462dup, p.Pro154dup (NM_001142544.3).
Identifiers: ClinVar variation 1352842 (VCV001352842.6), dbSNP rs1218236539, ClinGen allele CA2573152291.

ClinVar aggregate classification (germline): Uncertain significance (1 of 4 stars; one submission).

Submission:

Labcorp Genetics (formerly Invitae), Labcorp
Classification: Uncertain significance. Last evaluated: 2026-01-15. Review status: criteria provided, single submitter. Criteria: Invitae Variant Classification Sherloc (09022015). Collection method: clinical testing. Allele origin: germline.
Comment: This variant, c.463_465dup, results in the insertion of 1 amino acid(s) of the CTF1 protein (p.Pro155dup), but otherwise preserves the integrity of the reading frame. The frequency data for this variant in the population databases is considered unreliable, as metrics indicate insufficient coverage at this position in the gnomAD database. This variant has not been reported in the literature in individuals affected with CTF1-related conditions. ClinVar contains an entry for this variant (Variation ID: 1352842). Experimental studies and prediction algorithms are not available or were not evaluated, and the functional significance of this variant is currently unknown. In summary, the available evidence is currently insufficient to determine the role of this variant in disease. Therefore, it has been classified as a Variant of Uncertain Significance.